The following is an entry in ClinVar:

NM_002470.4(MYH3):c.1752G>A (p.Ala584=)

Gene: MYH3 (myosin heavy chain 3; minus strand). Cytogenetic location: 17p13.1.
Variant type: single nucleotide variant.
Coding change: c.1752G>A on transcript NM_002470.4 (MANE Select); coding-DNA position 1752, G replaced by A.
Protein change: p.Ala584=; no amino-acid change (alanine 584 retained).
Molecular consequence: synonymous variant.
Genome position (GRCh38, 1-based): chr17:10,642,553, C>T on the plus strand (G>A on the coding strand, the complement: MYH3 is on the minus strand). VCF-style: chr17-10642553-C-T. GRCh37 (hg19) VCF-style: chr17-10545870-C-T.
Other names: c.1752G>A (NM_002470.3).
Identifiers: ClinVar variation 2200505 (VCV002200505.5), dbSNP rs763431777, ClinGen allele CA8392942.

ClinVar aggregate classification (germline): Conflicting classifications of pathogenicity. Review status: criteria provided, conflicting classifications (1 of 4 stars). 2 submissions from 2 submitters: Uncertain significance (1); Likely benign (1). Last evaluated 2026-03-03.

Conditions:
MYH3-related disorder. Also called: MYH3-related condition; MYH3-Related Disorders. Identifiers: MedGen CN239329.

gnomAD v4.1: 56 of 1,614,054 alleles (0.0035%); highest among the groups gnomAD compares: Non-Finnish European, 0.0046%; no homozygotes.

Submissions (2):

PreventionGenetics, part of Exact Sciences
Classification: Uncertain significance for MYH3-related condition. Last evaluated: 2026-03-03. Review status: criteria provided, single submitter. Criteria: ACMG Guidelines, 2015. Collection method: clinical testing. Allele origin: germline.
Comment: The MYH3 c.1752G>A variant is not predicted to result in an amino acid change (p.=). This variant is predicted to alter splicing based on available splicing prediction programs (SpliceAI, Jaganathan et al. 2019. PubMed ID: 30661751). To our knowledge, this variant has not been reported in the literature. This variant is reported in 0.0054% of alleles in individuals of European (Non-Finnish) descent in gnomAD. At this time, the clinical significance of this variant is uncertain due to the absence of conclusive functional and genetic evidence.

Labcorp Genetics (formerly Invitae), Labcorp
Classification: Likely benign. Last evaluated: 2025-12-03. Review status: criteria provided, single submitter. Criteria: Invitae Variant Classification Sherloc (09022015). Collection method: clinical testing. Allele origin: germline.